The following is an entry in ClinVar:

NM_002439.5(MSH3):c.2813+3A>G

Gene: MSH3 (mutS homolog 3; plus strand). Cytogenetic location: 5q14.1.
Variant type: single nucleotide variant.
Coding change: c.2813+3A>G on transcript NM_002439.5 (MANE Select); 3 bases into the intron after coding-DNA position 2813, A replaced by G.
Molecular consequence: intron variant.
Genome position (GRCh38, 1-based): chr5:80,813,744, A>G. VCF-style: chr5-80813744-A-G. GRCh37 (hg19) VCF-style: chr5-80109563-A-G.
Identifiers: ClinVar variation 1796348 (VCV001796348.6), dbSNP rs1745050969, ClinGen allele CA1558566947.
Genomic context (GRCh38, chr5:80,813,744, plus strand): 5'-GCTCCTATGTTCCTGCAGAAGAAGCGACAATTGGGATTGTGGATGGCATTTTCACAAGGT[A>G]AGTACGTTAATTCAGCTTGCATATATTCTTGAAAATAAGTCAAGCCCACATTATCGCATG-3'

ClinVar aggregate classification (germline): Conflicting classifications of pathogenicity. Review status: criteria provided, conflicting classifications (1 of 4 stars). 2 submissions from 2 submitters: Uncertain significance (1); Likely benign (1). Last evaluated 2025-10-02.

Conditions:
Hereditary cancer-predisposing syndrome. Also called: Tumor predisposition; Hereditary Cancer Syndrome; Neoplastic Syndromes, Hereditary; Hereditary neoplastic syndrome. Identifiers: Orphanet 140162, MedGen C0027672, MeSH D009386, MONDO:0015356.

Allele frequency attached by ClinVar (database versions not stated): gnomAD exomes below 0.00001.
gnomAD v4.1: 1 of 1,614,106 alleles (0.000062%); highest among the groups gnomAD compares: Non-Finnish European, 0.000085%; no homozygotes.

Submissions (2):

Ambry Genetics
Classification: Uncertain significance for Hereditary cancer-predisposing syndrome. Last evaluated: 2025-10-02. Review status: criteria provided, single submitter. Criteria: Ambry Variant Classification Scheme 2023. Collection method: clinical testing. Allele origin: germline.
Comment: The c.2813+3A>G intronic variant results from an A to G substitution 3 nucleotides after coding exon 20 in the MSH3 gene. This nucleotide position is well conserved in available vertebrate species. In silico splice site analysis predicts that this alteration will not have any significant effect on splicing. Based on the available evidence, the clinical significance of this variant remains unclear.

Labcorp Genetics (formerly Invitae), Labcorp
Classification: Likely benign. Last evaluated: 2025-02-06. Review status: criteria provided, single submitter. Criteria: Invitae Variant Classification Sherloc (09022015). Collection method: clinical testing. Allele origin: germline.